The following is an entry in ClinVar:

NM_004813.4(PEX16):c.*160C>T

Gene: PEX16 (peroxisomal biogenesis factor 16; minus strand). Cytogenetic location: 11p11.2.
Variant type: single nucleotide variant.
Coding change: c.*160C>T on transcript NM_004813.4 (MANE Select); 160 bases downstream of the stop codon, C replaced by T.
Molecular consequence: 3 prime UTR variant. On other transcripts: missense variant (1).
Genome position (GRCh38, 1-based): chr11:45,910,094, G>A on the plus strand (C>T on the coding strand, the complement: PEX16 is on the minus strand). VCF-style: chr11-45910094-G-A. GRCh37 (hg19) VCF-style: chr11-45931645-G-A.
Other names: c.1036C>T, p.Pro346Ser (NM_057174.3); short protein forms P346S.
Identifiers: ClinVar variation 4996449 (VCV004996449.1).

ClinVar aggregate classification (germline): Uncertain significance (1 of 4 stars; one submission).

Conditions:
PEX16-related disorder. Also called: PEX16-related condition.

gnomAD v4.1: 1 of 1,611,146 alleles (0.000062%); highest among the groups gnomAD compares: Non-Finnish European, 0.000085%; no homozygotes.

Submission:

PreventionGenetics, part of Exact Sciences
Classification: Uncertain significance for PEX16-related condition. Last evaluated: 2026-06-29. Review status: criteria provided, single submitter. Criteria: ACMG Guidelines, 2015. Collection method: clinical testing. Allele origin: germline.
Comment: The PEX16 c.1036C>T variant is predicted to result in the amino acid substitution p.Pro346Ser. To our knowledge, this variant has not been reported in the literature or in a large population database (gnomAD), indicating this variant is rare. At this time, the clinical significance of this variant is uncertain due to the absence of conclusive functional and genetic evidence.